The following is an entry in ClinVar:

NM_001277115.2(DNAH11):c.11202+1G>C

Gene: DNAH11 (dynein axonemal heavy chain 11; plus strand). Cytogenetic location: 7p15.3.
Variant type: single nucleotide variant.
Coding change: c.11202+1G>C on transcript NM_001277115.2 (MANE Select); the canonical splice donor site of the intron after coding-DNA position 11202, G replaced by C.
Molecular consequence: splice donor variant.
Genome position (GRCh38, 1-based): chr7:21,854,456, G>C. VCF-style: chr7-21854456-G-C. GRCh37 (hg19) VCF-style: chr7-21894074-G-C.
Identifiers: ClinVar variation 2629347 (VCV002629347.1), dbSNP rs2535470681, ClinGen allele CA366960306.

ClinVar aggregate classification (germline): Likely pathogenic (1 of 4 stars; one submission).

Conditions:
DNAH11-related disorder. Also called: DNAH11-related condition.

Submission:

PreventionGenetics, part of Exact Sciences
Classification: Likely pathogenic for DNAH11-related condition. Last evaluated: 2022-11-10. Review status: criteria provided, single submitter. Criteria: ACMG Guidelines, 2015. Collection method: clinical testing. Allele origin: germline.
Comment: The DNAH11 c.11202+1G>C variant is predicted to disrupt the GT donor site and interfere with normal splicing. To our knowledge, this variant has not been reported in the literature or in a large population database, indicating this variant is rare. Variants that disrupt the consensus splice donor site in DNAH11 are expected to be pathogenic. This variant is interpreted as likely pathogenic.